The following is an entry in ClinVar:

NM_001082.5(CYP4F2):c.99T>C (p.His33=)

Gene: CYP4F2 (cytochrome P450 family 4 subfamily F member 2; minus strand). Cytogenetic location: 19p13.12.
Variant type: single nucleotide variant.
Coding change: c.99T>C on transcript NM_001082.5 (MANE Select); coding-DNA position 99, T replaced by C.
Protein change: p.His33=; no amino-acid change (histidine 33 retained).
Molecular consequence: synonymous variant.
Genome position (GRCh38, 1-based): chr19:15,897,513, A>G on the plus strand (T>C on the coding strand, the complement: CYP4F2 is on the minus strand). VCF-style: chr19-15897513-A-G. GRCh37 (hg19) VCF-style: chr19-16008323-A-G.
Identifiers: ClinVar variation 3044144 (VCV003044144.2), dbSNP rs139237854, ClinGen allele CA9274163.

ClinVar aggregate classification (germline): Likely benign (0 of 4 stars; one submission).

Conditions:
CYP4F2-related disorder. Also called: CYP4F2-related condition.

Allele frequency attached by ClinVar (database versions not stated): 1000 Genomes Project 30x 0.00125; ESP Exome Variant Server 0.00131; 1000 Genomes Project 0.00140; gnomAD 0.00163.

Submission:

PreventionGenetics, part of Exact Sciences
Classification: Likely benign for CYP4F2-related condition. Last evaluated: 2019-10-02. Review status: no assertion criteria provided. Collection method: clinical testing. Allele origin: germline.
Comment: This variant is classified as likely benign based on ACMG/AMP sequence variant interpretation guidelines (Richards et al. 2015 PMID: 25741868, with internal and published modifications).